The following is an entry in ClinVar:

ClinVar aggregate classification (germline): Uncertain significance (1 of 4 stars; one submission).

Submission:

GeneDx
Classification: Uncertain significance. Last evaluated: 2024-08-15. Review status: criteria provided, single submitter. Criteria: GeneDx Variant Classification Process June 2021. Collection method: clinical testing. Allele origin: germline. Affected: yes.
Comment: Not observed at significant frequency in large population cohorts (gnomAD); In silico analysis indicates that this missense variant does not alter protein structure/function; Has not been previously published as pathogenic or benign to our knowledge

NM_001009944.3(PKD1):c.8545G>T (p.Ala2849Ser)

Gene: PKD1 (polycystin 1, transient receptor potential channel interacting; minus strand). Cytogenetic location: 16p13.3.
Variant type: single nucleotide variant.
Coding change: c.8545G>T on transcript NM_001009944.3 (MANE Select); coding-DNA position 8545, G replaced by T.
Protein change: p.Ala2849Ser; replaces alanine 2849 with serine.
Molecular consequence: missense variant.
Genome position (GRCh38, 1-based): chr16:2,103,512, C>A on the plus strand (G>T on the coding strand, the complement: PKD1 is on the minus strand). VCF-style: chr16-2103512-C-A. GRCh37 (hg19) VCF-style: chr16-2153513-C-A.
Other names: c.8545G>T, p.Ala2849Ser (NM_000296.4); short protein forms A2849S.
Identifiers: ClinVar variation 3730884 (VCV003730884.1).